The following is an entry in ClinVar:

ClinVar aggregate classification (germline): Uncertain significance. Review status: criteria provided, multiple submitters, no conflicts (2 of 4 stars). 4 submissions from 4 submitters: Uncertain significance (4). Last evaluated 2025-05-27.

Conditions:
Sessile serrated polyposis cancer syndrome (SSPCS). Identifiers: Orphanet 157798, MedGen C4310714, MONDO:0014919, OMIM 617108.

Allele frequency attached by ClinVar (database versions not stated): gnomAD exomes 0.00001 and 0.00002; TOPMed 0.00001.
gnomAD v4.1: 7 of 1,609,388 alleles (0.00043%); highest among the groups gnomAD compares: Admixed American, 0.0084%; no homozygotes.

Submissions (4):

Labcorp Genetics (formerly Invitae), Labcorp
Classification: Uncertain significance. Last evaluated: 2025-05-27. Review status: criteria provided, single submitter. Criteria: Invitae Variant Classification Sherloc (09022015). Collection method: clinical testing. Allele origin: germline.
Comment: This sequence change replaces arginine, which is basic and polar, with lysine, which is basic and polar, at codon 228 of the RNF43 protein (p.Arg228Lys). This variant is present in population databases (no rsID available, gnomAD 0.009%). This variant has not been reported in the literature in individuals affected with RNF43-related conditions. ClinVar contains an entry for this variant (Variation ID: 1003249). An algorithm developed to predict the effect of missense changes on protein structure and function (PolyPhen-2) suggests that this variant is likely to be disruptive. In summary, the available evidence is currently insufficient to determine the role of this variant in disease. Therefore, it has been classified as a Variant of Uncertain Significance.

GeneDx
Classification: Uncertain significance. Last evaluated: 2024-12-06. Review status: criteria provided, single submitter. Criteria: GeneDx Variant Classification Process June 2021. Collection method: clinical testing. Allele origin: germline.
Comment: Not observed at significant frequency in large population cohorts (gnomAD); In silico analysis indicates that this missense variant does not alter protein structure/function; Has not been previously published as pathogenic or benign to our knowledge

Ambry Genetics
Classification: Uncertain significance. Last evaluated: 2024-11-26. Review status: criteria provided, single submitter. Criteria: Ambry Variant Classification Scheme 2023. Collection method: clinical testing. Allele origin: germline.
Comment: The p.R228K variant (also known as c.683G>A), located in coding exon 5 of the RNF43 gene, results from a G to A substitution at nucleotide position 683. The arginine at codon 228 is replaced by lysine, an amino acid with highly similar properties. This amino acid position is conserved. In addition, this alteration is predicted to be tolerated by in silico analysis. Based on the available evidence, the clinical significance of this variant remains unclear.

Baylor Genetics
Classification: Uncertain significance for Sessile serrated polyposis cancer syndrome. Last evaluated: 2024-03-20. Review status: criteria provided, single submitter. Criteria: ACMG Guidelines, 2015. Collection method: clinical testing. Allele origin: unknown.

NM_017763.6(RNF43):c.683G>A (p.Arg228Lys)

Gene: RNF43 (ring finger protein 43; minus strand). Cytogenetic location: 17q22.
Variant type: single nucleotide variant.
Coding change: c.683G>A on transcript NM_017763.6 (MANE Select); coding-DNA position 683, G replaced by A.
Protein change: p.Arg228Lys; replaces arginine 228 with lysine.
Molecular consequence: missense variant.
Genome position (GRCh38, 1-based): chr17:58,362,548, C>T on the plus strand (G>A on the coding strand, the complement: RNF43 is on the minus strand). VCF-style: chr17-58362548-C-T. GRCh37 (hg19) VCF-style: chr17-56439909-C-T.
Other names: c.683G>A (NM_017763.4); c.683G>A, p.Arg228Lys (NM_001305544.3); c.302G>A, p.Arg101Lys (NM_001305545.2); short protein forms R101K, R228K.
Identifiers: ClinVar variation 1003249 (VCV001003249.11), dbSNP rs1208556981, ClinGen allele CA400335985.